The following is an entry in ClinVar:

NM_001197104.2(KMT2A):c.3634+4G>A

Gene: KMT2A (lysine methyltransferase 2A; plus strand). Cytogenetic location: 11q23.3.
Variant type: single nucleotide variant.
Coding change: c.3634+4G>A on transcript NM_001197104.2 (MANE Select); 4 bases into the intron after coding-DNA position 3634, G replaced by A.
Molecular consequence: intron variant.
Genome position (GRCh38, 1-based): chr11:118,480,242, G>A. VCF-style: chr11-118480242-G-A. GRCh37 (hg19) VCF-style: chr11-118350957-G-A.
Other names: c.3634+4G>A (NM_005933.4, NM_001197104.1).
Identifiers: ClinVar variation 1064092 (VCV001064092.37), dbSNP rs367948360, ClinGen allele CA6303685.

ClinVar aggregate classification (germline): Benign/Likely benign. Review status: criteria provided, multiple submitters, no conflicts (2 of 4 stars). 5 submissions from 5 submitters: Benign (1); Likely benign (4). Last evaluated 2026-01-18.

Conditions:
Inborn genetic diseases. Identifiers: MedGen C0950123, MeSH D030342.

Allele frequency attached by ClinVar (database versions not stated): ExAC 0.00010; gnomAD exomes 0.00012; TOPMed 0.00012; ESP Exome Variant Server 0.00015; 1000 Genomes Project 30x 0.00016; 1000 Genomes Project 0.00020; gnomAD 0.00023 and 0.00024.
gnomAD v4.1: 332 of 1,612,534 alleles (0.021%); highest among the groups gnomAD compares: Non-Finnish European, 0.027%; no homozygotes.

Submissions (5):

Labcorp Genetics (formerly Invitae), Labcorp
Classification: Benign. Last evaluated: 2026-01-18. Review status: criteria provided, single submitter. Criteria: Invitae Variant Classification Sherloc (09022015). Collection method: clinical testing. Allele origin: germline.

Blueprint Genetics
Classification: Likely benign. Last evaluated: 2024-11-15. Review status: criteria provided, single submitter. Criteria: ACMG Guidelines, 2015. Collection method: clinical testing. Allele origin: germline.

CeGaT Center for Human Genetics Tuebingen
Classification: Likely benign. Last evaluated: 2023-11-01. Review status: criteria provided, single submitter. Criteria: CeGaT Center For Human Genetics Tuebingen Variant Classification Criteria Version 2. Collection method: clinical testing. Allele origin: germline. Affected: yes. Observed: 1 variant allele.
Comment: KMT2A: BP4

Ambry Genetics
Classification: Likely benign for Inborn genetic diseases. Last evaluated: 2021-09-02. Review status: criteria provided, single submitter. Criteria: Ambry Variant Classification Scheme 2023. Collection method: clinical testing. Allele origin: germline.

GeneDx
Classification: Likely benign. Last evaluated: 2020-03-24. Review status: criteria provided, single submitter. Criteria: GeneDx Variant Classification Process June 2021. Collection method: clinical testing. Allele origin: germline. Affected: yes.